The following is an entry in ClinVar:

ClinVar aggregate classification (germline): Uncertain significance (0 of 4 stars; one submission).

Conditions:
TSHZ3-related disorder. Also called: TSHZ3-related condition.

Submission:

PreventionGenetics, part of Exact Sciences
Classification: Uncertain significance for TSHZ3-related condition. Last evaluated: 2023-11-01. Review status: no assertion criteria provided. Collection method: clinical testing. Allele origin: germline.
Comment: The TSHZ3 c.2T>G variant is predicted to disrupt the translation initiation site (Start loss). To our knowledge, this variant has not been reported in the literature or in a large population database, indicating this variant is rare. At this time, the clinical significance of this variant is uncertain due to the absence of conclusive functional and genetic evidence.

NM_020856.4(TSHZ3):c.2T>G (p.Met1Arg)

Gene: TSHZ3 (teashirt zinc finger homeobox 3; minus strand). Cytogenetic location: 19q12.
Variant type: single nucleotide variant.
Coding change: c.2T>G on transcript NM_020856.4 (MANE Select); coding-DNA position 2, T replaced by G.
Protein change: p.Met1Arg; changes the start codon (methionine 1).
Molecular consequence: missense variant, initiator codon variant. On other transcripts: non-coding transcript variant (3).
Genome position (GRCh38, 1-based): chr19:31,349,218, A>C on the plus strand (T>G on the coding strand, the complement: TSHZ3 is on the minus strand). VCF-style: chr19-31349218-A-C. GRCh37 (hg19) VCF-style: chr19-31840124-A-C.
Other names: short protein forms M1R.
Identifiers: ClinVar variation 3050569 (VCV003050569.2), dbSNP rs2513410984, ClinGen allele CA405154490.